The following is an entry in ClinVar:

ClinVar aggregate classification (germline): Uncertain significance (1 of 4 stars; one submission).

Conditions:
Charcot-Marie-Tooth disease axonal type 2S. Also called: CHARCOT-MARIE-TOOTH NEUROPATHY, TYPE 2S; CHARCOT-MARIE-TOOTH DISEASE, AXONAL, AUTOSOMAL RECESSIVE, TYPE 2S. Identifiers: Orphanet 443073, MedGen C4015349, MONDO:0014511, OMIM 616155.
Autosomal recessive distal spinal muscular atrophy 1. Also called: HMN VI; Spinal muscular atrophy with respiratory distress 1; NEURONOPATHY, SEVERE INFANTILE AXONAL, WITH RESPIRATORY FAILURE; NEURONOPATHY, DISTAL HEREDITARY MOTOR, HARDING TYPE VI; NEUROPATHY, DISTAL HEREDITARY MOTOR, AUTOSOMAL RECESSIVE 1; SEVERE INFANTILE AXONAL NEUROPATHY WITH RESPIRATORY FAILURE. Identifiers: Orphanet 98920, MedGen C1858517, MONDO:0011436, OMIM 604320.

gnomAD v4.1: 1 of 1,610,796 alleles (0.000062%); highest among the groups gnomAD compares: Admixed American, 0.0017%; no homozygotes.

Submission:

Labcorp Genetics (formerly Invitae), Labcorp
Classification: Uncertain significance for Autosomal recessive distal spinal muscular atrophy 1; Charcot-Marie-Tooth disease axonal type 2S. Last evaluated: 2021-10-08. Review status: criteria provided, single submitter. Criteria: Invitae Variant Classification Sherloc (09022015). Collection method: clinical testing. Allele origin: germline.
Comment: This variant is not present in population databases (ExAC no frequency). In summary, the available evidence is currently insufficient to determine the role of this variant in disease. Therefore, it has been classified as a Variant of Uncertain Significance. Advanced modeling of protein sequence and biophysical properties (such as structural, functional, and spatial information, amino acid conservation, physicochemical variation, residue mobility, and thermodynamic stability) performed at Invitae indicates that this missense variant is not expected to disrupt IGHMBP2 protein function. This variant has not been reported in the literature in individuals affected with IGHMBP2-related conditions. This sequence change replaces proline with serine at codon 178 of the IGHMBP2 protein (p.Pro178Ser). The proline residue is weakly conserved and there is a moderate physicochemical difference between proline and serine.

NM_002180.3(IGHMBP2):c.532C>T (p.Pro178Ser)

Gene: IGHMBP2 (immunoglobulin mu DNA binding protein 2; plus strand). Cytogenetic location: 11q13.3.
Variant type: single nucleotide variant.
Coding change: c.532C>T on transcript NM_002180.3 (MANE Select); coding-DNA position 532, C replaced by T.
Protein change: p.Pro178Ser; replaces proline 178 with serine.
Molecular consequence: missense variant.
Genome position (GRCh38, 1-based): chr11:68,908,616, C>T. VCF-style: chr11-68908616-C-T. GRCh37 (hg19) VCF-style: chr11-68676084-C-T.
Other names: short protein forms P178S.
Identifiers: ClinVar variation 1439504 (VCV001439504.6), dbSNP rs1566425176, ClinGen allele CA381643588.